The following is an entry in ClinVar:

NM_001105206.3(LAMA4):c.3054G>T (p.Leu1018Phe)

Gene: LAMA4 (laminin subunit alpha 4; minus strand). Cytogenetic location: 6q21.
Variant type: single nucleotide variant.
Coding change: c.3054G>T on transcript NM_001105206.3 (MANE Select); coding-DNA position 3054, G replaced by T.
Protein change: p.Leu1018Phe; replaces leucine 1018 with phenylalanine.
Molecular consequence: missense variant.
Genome position (GRCh38, 1-based): chr6:112,139,808, C>A on the plus strand (G>T on the coding strand, the complement: LAMA4 is on the minus strand). VCF-style: chr6-112139808-C-A. GRCh37 (hg19) VCF-style: chr6-112461010-C-A.
Other names: p.L1011F:TTG>TTT; c.3033G>T, p.Leu1011Phe (NM_001105207.3, NM_002290.5); short protein forms L1011F, L1018F.
Identifiers: ClinVar variation 213589 (VCV000213589.25), dbSNP rs183262122, ClinGen allele CA322340.

ClinVar aggregate classification (germline): Conflicting classifications of pathogenicity. Review status: criteria provided, conflicting classifications (1 of 4 stars). 8 submissions from 8 submitters: Uncertain significance (1); Benign (2); Likely benign (3). 2 of the submissions do not count toward it. Last evaluated 2025-12-24.

Conditions:
Cardiovascular phenotype. Identifiers: MedGen CN230736.
Dilated cardiomyopathy 1JJ (CMD1JJ). Identifiers: Orphanet 154, MedGen C3808935, MONDO:0014095, OMIM 615235.
Cardiomyopathy (CMYO). Also called: Cardiomyopathies. Identifiers: Orphanet 167848, MedGen C0878544, MONDO:0004994, HP:0001638. Inheritance: Various modes of inheritance.

Allele frequency attached by ClinVar (database versions not stated): gnomAD exomes 0.00046; 1000 Genomes Project 0.00060; gnomAD 0.00038 and 0.00040; TOPMed 0.00012; 1000 Genomes Project 30x 0.00047; ESP Exome Variant Server 0.00023; ExAC 0.00054.
gnomAD v4.1: 678 of 1,614,030 alleles (0.042%); highest among the groups gnomAD compares: Non-Finnish European, 0.039%; no homozygotes.

Submissions (8):

Labcorp Genetics (formerly Invitae), Labcorp
Classification: Likely benign for Dilated cardiomyopathy 1JJ. Last evaluated: 2025-12-24. Review status: criteria provided, single submitter. Criteria: Invitae Variant Classification Sherloc (09022015). Collection method: clinical testing. Allele origin: germline.

GeneDx
Classification: Likely benign. Last evaluated: 2019-05-24. Review status: criteria provided, single submitter. Criteria: GeneDx Variant Classification Process June 2021. Collection method: clinical testing. Allele origin: germline. Affected: yes.

Ambry Genetics
Classification: Benign for Cardiovascular phenotype. Last evaluated: 2019-03-26. Review status: criteria provided, single submitter. Criteria: Ambry Variant Classification Scheme 2023. Collection method: clinical testing. Allele origin: germline.

Laboratory for Molecular Medicine, Mass General Brigham Personalized Medicine
Classification: Benign. Last evaluated: 2018-06-06. Review status: criteria provided, single submitter. Criteria: LMM Criteria. Collection method: clinical testing. Allele origin: germline. Observed: 1 variant allele.
Comment: p.Leu1011Phe in exon 23 of LAMA4: This variant is not expected to have clinical significance because it has been identified in 0.24% (61/25790) of Finnish chrom osomes by the Genome Aggregation Database (gnomAD. org; dbSNP rs183262122). ACMG/AMP Criteria applied: BA1.

Center for Advanced Laboratory Medicine, UC San Diego Health, University of California San Diego
Classification: Likely benign for Cardiomyopathy. Last evaluated: 2018-03-22. Review status: criteria provided, single submitter. Criteria: ACMG Guidelines, 2015. Collection method: clinical testing. Allele origin: germline. Affected: yes. Observed: 1 variant allele.

CHEO Genetics Diagnostic Laboratory, Children's Hospital of Eastern Ontario
Classification: Uncertain significance for Cardiomyopathy. Last evaluated: 2017-03-17. Review status: criteria provided, single submitter. Criteria: ACMG Guidelines, 2015. Collection method: clinical testing. Allele origin: germline. Study: Canadian Open Genetics Repository.

Clinical Genetics DNA and cytogenetics Diagnostics Lab, Erasmus MC, Erasmus Medical Center
Classification: Likely benign. Review status: no assertion criteria provided. Collection method: clinical testing. Allele origin: germline. Affected: yes. Study: VKGL Data-share Consensus. Not counted in ClinVar's aggregate classification.

Diagnostic Laboratory, Department of Genetics, University Medical Center Groningen
Classification: Likely benign for Dilated cardiomyopathy 1JJ. Review status: no assertion criteria provided. Collection method: clinical testing. Allele origin: germline. Affected: yes. Study: VKGL Data-share Consensus. Not counted in ClinVar's aggregate classification.